The following is an entry in ClinVar:

ClinVar aggregate classification (germline): Likely benign. Review status: criteria provided, multiple submitters, no conflicts (2 of 4 stars). 3 submissions from 3 submitters: Likely benign (2). 1 of the submissions does not count toward it. Last evaluated 2025-12-19.

Conditions:
TBX18-related disorder. Also called: TBX18-related condition.

Allele frequency attached by ClinVar (database versions not stated): gnomAD exomes 0.00012; ExAC 0.00039; gnomAD 0.00124; TOPMed 0.00130; 1000 Genomes Project 0.00140; 1000 Genomes Project 30x 0.00172.
gnomAD v4.1: 369 of 1,560,946 alleles (0.024%); highest among the groups gnomAD compares: African/African-American, 0.44%; 3 homozygotes.

Submissions (3):

Labcorp Genetics (formerly Invitae), Labcorp
Classification: Likely benign. Last evaluated: 2025-12-19. Review status: criteria provided, single submitter. Criteria: Invitae Variant Classification Sherloc (09022015). Collection method: clinical testing. Allele origin: germline.

Blueprint Genetics
Classification: Likely benign. Last evaluated: 2024-10-15. Review status: criteria provided, single submitter. Criteria: ACMG Guidelines, 2015. Collection method: clinical testing. Allele origin: germline.

PreventionGenetics, part of Exact Sciences
Classification: Likely benign for TBX18-related condition. Last evaluated: 2019-03-26. Review status: no assertion criteria provided. Collection method: clinical testing. Allele origin: germline. Not counted in ClinVar's aggregate classification.
Comment: This variant is classified as likely benign based on ACMG/AMP sequence variant interpretation guidelines (Richards et al. 2015 PMID: 25741868, with internal and published modifications).

NM_001080508.3(TBX18):c.178G>A (p.Gly60Ser)

Gene: TBX18 (T-box transcription factor 18; minus strand). Cytogenetic location: 6q14.3.
Variant type: single nucleotide variant.
Coding change: c.178G>A on transcript NM_001080508.3 (MANE Select); coding-DNA position 178, G replaced by A.
Protein change: p.Gly60Ser; replaces glycine 60 with serine.
Molecular consequence: missense variant.
Genome position (GRCh38, 1-based): chr6:84,764,004, C>T on the plus strand (G>A on the coding strand, the complement: TBX18 is on the minus strand). VCF-style: chr6-84764004-C-T. GRCh37 (hg19) VCF-style: chr6-85473722-C-T.
Other names: c.178G>A (NM_001080508.2); short protein forms G60S.
Identifiers: ClinVar variation 2054198 (VCV002054198.7), dbSNP rs199821519, ClinGen allele CA3911185.
Genomic context (GRCh38, chr6:84,764,004, plus strand): 5'-CAGCCGGCGGCGGGAGCGCAGCGCCTTCGTCTCCCTCAGAAGAACCCTTTTCGCCCGCGC[C>T]GCCGCCGCGGCTGCAGCCTCCGTCGTCCACGGCCCCCGCCGCCTCTTCGGCGCCCAGTTT-3'
Protein context (NP_001073977.1, residues 50-70): VDDGGCSRGG[Gly60Ser]AGEKGSSEGD